The following is an entry in ClinVar:

ClinVar aggregate classification (germline): Uncertain significance (1 of 4 stars; one submission).

Submission:

Dasa
Classification: Uncertain significance. Last evaluated: 2025-09-05. Review status: criteria provided, single submitter. Criteria: DASA Assertion Criteria. Collection method: clinical testing. Allele origin: germline.
Comment: NM_004369.4(COL6A3):c.1927C>A (p.Leu643Ile) is a missense variant that results in the substitution of leucine with isoleucine. This variant is absent from population databases. Computational prediction algorithms are consistent with a deleterious effect. The currently available literature and clinical evidence are not sufficient to establish a definitive association between this variant and the reported condition. Therefore, this variant is classified as a variant of uncertain significance.

NM_004369.4(COL6A3):c.1927C>A (p.Leu643Ile)

Gene: COL6A3 (collagen type VI alpha 3 chain; minus strand). Cytogenetic location: 2q37.3.
Variant type: single nucleotide variant.
Coding change: c.1927C>A on transcript NM_004369.4 (MANE Select); coding-DNA position 1927, C replaced by A.
Protein change: p.Leu643Ile; replaces leucine 643 with isoleucine.
Molecular consequence: missense variant. On other transcripts: intron variant (1).
Genome position (GRCh38, 1-based): chr2:237,379,206, G>T on the plus strand (C>A on the coding strand, the complement: COL6A3 is on the minus strand). VCF-style: chr2-237379206-G-T. GRCh37 (hg19) VCF-style: chr2-238287849-G-T.
Other names: c.706C>A, p.Leu236Ile (NM_057164.5); c.1309C>A, p.Leu437Ile (NM_057165.5, NM_057167.4); c.676+1709C>A (NM_057166.5); short protein forms L236I, L437I, L643I.
Identifiers: ClinVar variation 4881847 (VCV004881847.2).